The following is an entry in ClinVar:

ClinVar aggregate classification (germline): Uncertain significance (1 of 4 stars; one submission).

Conditions:
Cardiovascular phenotype. Identifiers: MedGen CN230736.

gnomAD v4.1: 2 of 1,613,114 alleles (0.00012%); highest among the groups gnomAD compares: East Asian, 0.0045%; no homozygotes.

Submission:

Ambry Genetics
Classification: Uncertain significance for Cardiovascular phenotype. Last evaluated: 2024-08-11. Review status: criteria provided, single submitter. Criteria: Ambry Variant Classification Scheme 2023. Collection method: clinical testing. Allele origin: germline.
Comment: The p.I289V variant (also known as c.865A>G), located in coding exon 6 of the LMF1 gene, results from an A to G substitution at nucleotide position 865. The isoleucine at codon 289 is replaced by valine, an amino acid with highly similar properties. This amino acid position is conserved. In addition, this alteration is predicted to be tolerated by in silico analysis. Based on the available evidence, the clinical significance of this variant remains unclear.

NM_022773.4(LMF1):c.865A>G (p.Ile289Val)

Gene: LMF1 (lipase maturation factor 1; minus strand). Cytogenetic location: 16p13.3.
Variant type: single nucleotide variant.
Coding change: c.865A>G on transcript NM_022773.4 (MANE Select); coding-DNA position 865, A replaced by G.
Protein change: p.Ile289Val; replaces isoleucine 289 with valine.
Molecular consequence: missense variant. On other transcripts: non-coding transcript variant (1).
Genome position (GRCh38, 1-based): chr16:879,602, T>C on the plus strand (A>G on the coding strand, the complement: LMF1 is on the minus strand). VCF-style: chr16-879602-T-C. GRCh37 (hg19) VCF-style: chr16-929602-T-C.
Other names: c.214A>G, p.Ile72Val (NM_001352017.2, NM_001352021.2); c.466A>G, p.Ile156Val (NM_001352018.2); c.538A>G, p.Ile180Val (NM_001352019.2); c.865A>G, p.Ile289Val (NM_001352020.1); short protein forms I156V, I72V, I180V, I289V.
Identifiers: ClinVar variation 3538661 (VCV003538661.1).